The following is an entry in ClinVar:

NM_031935.3(HMCN1):c.15026C>G (p.Thr5009Arg)

Gene: HMCN1 (hemicentin 1; plus strand). Cytogenetic location: 1q31.1.
Variant type: single nucleotide variant.
Coding change: c.15026C>G on transcript NM_031935.3 (MANE Select); coding-DNA position 15026, C replaced by G.
Protein change: p.Thr5009Arg; replaces threonine 5009 with arginine.
Molecular consequence: missense variant.
Genome position (GRCh38, 1-based): chr1:186,153,757, C>G. VCF-style: chr1-186153757-C-G. GRCh37 (hg19) VCF-style: chr1-186122889-C-G.
Other names: short protein forms T5009R.
Identifiers: ClinVar variation 1469396 (VCV001469396.6), dbSNP rs775634198, ClinGen allele CA343923138.
Genomic context (GRCh38, chr1:186,153,757, plus strand): 5'-AAAAAAATTAGTATGAGCCATATTGATCTTCAAATCCACATTGTTCTCCTTAGGATTACA[C>G]AGAGGACTACATTCAAACAGGTCCTGGGCAGCTGTACGCCTACTCAACCCGGCTGTTCAC-3'
Protein context (NP_114141.2, residues 4999-5019): SPAEVTVKDY[Thr5009Arg]EDYIQTGPGQ

ClinVar aggregate classification (germline): Uncertain significance (1 of 4 stars; one submission).

gnomAD v4.1: 1 of 1,613,722 alleles (0.000062%); highest among the groups gnomAD compares: Non-Finnish European, 0.000085%; no homozygotes.

Submission:

Labcorp Genetics (formerly Invitae), Labcorp
Classification: Uncertain significance. Last evaluated: 2021-10-20. Review status: criteria provided, single submitter. Criteria: Invitae Variant Classification Sherloc (09022015). Collection method: clinical testing. Allele origin: germline.
Comment: In summary, the available evidence is currently insufficient to determine the role of this variant in disease. Therefore, it has been classified as a Variant of Uncertain Significance. Algorithms developed to predict the effect of missense changes on protein structure and function are either unavailable or do not agree on the potential impact of this missense change (SIFT: "Deleterious"; PolyPhen-2: "Probably Damaging"; Align-GVGD: "Class C0"). This variant has not been reported in the literature in individuals affected with HMCN1-related conditions. This variant is not present in population databases (ExAC no frequency). This sequence change replaces threonine with arginine at codon 5009 of the HMCN1 protein (p.Thr5009Arg). The threonine residue is highly conserved and there is a moderate physicochemical difference between threonine and arginine.